The following is an entry in ClinVar:

NM_001384140.1(PCDH15):c.3806+2T>C

Gene: PCDH15 (protocadherin related 15; minus strand). Cytogenetic location: 10q21.1.
Variant type: single nucleotide variant.
Coding change: c.3806+2T>C on transcript NM_001384140.1 (MANE Select); the canonical splice donor site of the intron after coding-DNA position 3806, T replaced by C.
Molecular consequence: splice donor variant.
Genome position (GRCh38, 1-based): chr10:53,857,173, A>G on the plus strand (T>C on the coding strand, the complement: PCDH15 is on the minus strand). VCF-style: chr10-53857173-A-G. GRCh37 (hg19) VCF-style: chr10-55616933-A-G.
Other names: c.3740+2T>C (NM_001142773.2, NM_001142768.2, NM_001354404.2); c.3695+2T>C (NM_001142767.2); c.3593+2T>C (NM_001142765.2); c.3806+2T>C (NM_001142766.2, NM_033056.4, NM_001142764.2 and 4 more transcripts); c.3821+2T>C (NM_001142763.2, NM_001142771.2); c.3827+2T>C (NM_001354411.2); c.3842+2T>C (NM_001142769.3).
Identifiers: ClinVar variation 557497 (VCV000557497.10), dbSNP rs756692340, ClinGen allele CA207179444.

ClinVar aggregate classification (germline): Likely pathogenic. Review status: criteria provided, multiple submitters, no conflicts (2 of 4 stars). 5 submissions from 5 submitters: Likely pathogenic (4). 1 of the submissions does not count toward it. Last evaluated 2024-05-16.

Conditions:
Autosomal recessive nonsyndromic hearing loss 23. Identifiers: Orphanet 90636, MedGen C1836027, MONDO:0012293, OMIM 609533.
Usher syndrome type 1D (USH1D). Also called: USHER SYNDROME, TYPE ID. Identifiers: Orphanet 231169, Orphanet 886, MedGen C1832845, MONDO:0010984, OMIM 601067.
Usher syndrome type 1F (USH1F). Also called: USHER SYNDROME, TYPE IF. Identifiers: Orphanet 231169, Orphanet 886, MedGen C1865885, MONDO:0011186, OMIM 602083.

Allele frequency attached by ClinVar (database versions not stated): gnomAD 0.00001; gnomAD exomes 0.00004 and 0.00001.
gnomAD v4.1: 50 of 1,575,176 alleles (0.0032%); highest among the groups gnomAD compares: Non-Finnish European, 0.0041%; no homozygotes.

Submissions (5):

Fulgent Genetics
Classification: Likely pathogenic for Usher syndrome type 1D; Usher syndrome type 1F; Autosomal recessive nonsyndromic hearing loss 23. Last evaluated: 2024-05-16. Review status: criteria provided, single submitter. Criteria: ACMG Guidelines, 2015. Collection method: clinical testing. Allele origin: germline.

Labcorp Genetics (formerly Invitae), Labcorp
Classification: Likely pathogenic. Last evaluated: 2023-11-10. Review status: criteria provided, single submitter. Criteria: Invitae Variant Classification Sherloc (09022015). Collection method: clinical testing. Allele origin: germline.
Comment: This sequence change affects a donor splice site in intron 28 of the PCDH15 gene. It is expected to disrupt RNA splicing. Variants that disrupt the donor or acceptor splice site typically lead to a loss of protein function (PMID: 16199547), and loss-of-function variants in PCDH15 are known to be pathogenic (PMID: 11398101, 11487575, 14570705). This variant is present in population databases (rs756692340, gnomAD 0.007%). This variant has not been reported in the literature in individuals affected with PCDH15-related conditions. ClinVar contains an entry for this variant (Variation ID: 557497). Algorithms developed to predict the effect of sequence changes on RNA splicing suggest that this variant may disrupt the consensus splice site. In summary, the currently available evidence indicates that the variant is pathogenic, but additional data are needed to prove that conclusively. Therefore, this variant has been classified as Likely Pathogenic.

Baylor Genetics
Classification: Likely pathogenic for Autosomal recessive nonsyndromic hearing loss 23. Last evaluated: 2023-08-26. Review status: criteria provided, single submitter. Criteria: ACMG Guidelines, 2015. Collection method: clinical testing. Allele origin: unknown.

Broad Center for Mendelian Genomics, Broad Institute of MIT and Harvard
Classification: Likely pathogenic for Usher syndrome type 1F. Last evaluated: 2023-01-24. Review status: criteria provided, single submitter. Criteria: ACMG Guidelines, 2015. Collection method: curation. Allele origin: germline. Inheritance: Autosomal recessive inheritance.
Comment: The c.3806+2T>C variant in PCDH15 has not been previously reported in the literature in individuals with Usher syndrome type 1F but has been identified in 0.006% (1/16094) of African/African American chromosomes by the Genome Aggregation Database (gnomAD; dbSNP ID: rs756692340). Although this variant has been seen in the general population in a heterozygous state, its frequency is low enough to be consistent with a recessive carrier frequency. This variant has also been reported in ClinVar (Variation ID#: 557497) and has been interpreted as likely pathogenic by Invitae and Counsyl. This variant is located in the 3' splice region. Computational tools predict a splicing impact, though this information is not predictive enough to determine pathogenicity. Loss of function of the PCDH15 gene is an established disease mechanism in autosomal recessive Usher syndrome type 1F. In summary, although additional studies are required to fully establish its clinical significance, this variant is likely pathogenic for autosomal recessive Usher syndrome type 1F. ACMG/AMP Criteria applied: PVS1, PM2 (Richards 2015).

Counsyl
Classification: Likely pathogenic for Usher syndrome type 1F. Last evaluated: 2018-03-27. Review status: no assertion criteria provided. Collection method: clinical testing. Allele origin: unknown. Not counted in ClinVar's aggregate classification.

Literature cited by the submitters: PubMed 16199547 (cited by Labcorp Genetics (formerly Invitae), Labcorp); PubMed 11398101 (cited by Labcorp Genetics (formerly Invitae), Labcorp); PubMed 11487575 (cited by Labcorp Genetics (formerly Invitae), Labcorp); PubMed 14570705 (cited by Labcorp Genetics (formerly Invitae), Labcorp).